The following is an entry in ClinVar:

NM_000170.3(GLDC):c.2216G>A (p.Arg739His)

Gene: GLDC (glycine decarboxylase; minus strand). Cytogenetic location: 9p24.1.
Variant type: single nucleotide variant.
Coding change: c.2216G>A on transcript NM_000170.3 (MANE Select); coding-DNA position 2216, G replaced by A.
Protein change: p.Arg739His; replaces arginine 739 with histidine.
Molecular consequence: missense variant.
Genome position (GRCh38, 1-based): chr9:6,554,768, C>T on the plus strand (G>A on the coding strand, the complement: GLDC is on the minus strand). VCF-style: chr9-6554768-C-T. GRCh37 (hg19) VCF-style: chr9-6554768-C-T.
Other names: short protein forms R739H.
Identifiers: ClinVar variation 11990 (VCV000011990.44), dbSNP rs121964980, ClinGen allele CA256173.
Genomic context (GRCh38, chr9:6,554,768, plus strand): 5'-GGAATGCAGAAGGTCTTGTGAAGATTTAGGTGCGAGACATCAGACCCGAAGTCTCCAGGG[C>T]GACAGATTCCCACCTACCACAAAGGCAAGGGCCAAAAGCAAAAGTCAAGAGCTTGGAAGC-3'
Protein context (NP_000161.2, residues 729-749): ANMNAQVGIC[Arg739His]PGDFGSDVSH

ClinVar aggregate classification (germline): Pathogenic/Likely pathogenic. Review status: criteria provided, multiple submitters, no conflicts (2 of 4 stars). 12 submissions from 12 submitters: Pathogenic (5); Likely pathogenic (6). 1 of the submissions does not count toward it. Last evaluated 2026-01-21.

Conditions:
GLDC-related disorder. Also called: GLDC-related condition.
GLDC-related disorders.
Glycine encephalopathy 1 (GCE1). Identifiers: MedGen CN376801, MONDO:0958179, OMIM 605899.
Glycine encephalopathy. Also called: Non-ketotic hyperglycinemia; Nonketotic hyperglycinemia. Identifiers: Orphanet 407, MedGen C0751748, MONDO:0011612, HP:0008288.

Allele frequency attached by ClinVar (database versions not stated): ExAC 0.00003; gnomAD exomes 0.00004 and 0.00003; 1000 Genomes Project 30x 0.00016; 1000 Genomes Project 0.00020; TOPMed 0.00006; gnomAD 0.00006.
gnomAD v4.1: 47 of 1,612,332 alleles (0.0029%); highest among the groups gnomAD compares: African/African-American, 0.0053%; no homozygotes.

Submissions (12):

PreventionGenetics, part of Exact Sciences
Classification: Pathogenic for GLDC-related condition. Last evaluated: 2026-01-21. Review status: criteria provided, single submitter. Criteria: ACMG Guidelines, 2015. Collection method: clinical testing. Allele origin: germline.
Comment: The GLDC c.2216G>A variant is predicted to result in the amino acid substitution p.Arg739His. This variant has been reported in multiple individuals with non-ketotic hyperglycinemia (see for examples, Dinopoulos et al. 2005. PubMed ID: 15824356; Kure et al. 2006. PubMed ID: 16450403; Tramontana et al. 2021. PubMed ID: 33977025). Functional studies showed that this variant has less than 10% of normal GLDC enzyme activity (Dinopoulos et al. 2005. PubMed ID: 15824356). This variant is reported in 0.0071% of alleles in individuals of European (Non-Finnish) descent in gnomAD. This variant is interpreted as pathogenic.

Natera, Inc.
Classification: Likely pathogenic for Non-ketotic hyperglycinemia. Last evaluated: 2025-11-16. Review status: criteria provided, single submitter. Criteria: Natera Variant Classification Schema (03/2026). Collection method: clinical testing. Allele origin: germline.
Comment: The c.2216G>A variant in GLDC is a missense variant predicted to cause substitution of arginine to histidine at amino acid 739. This variant is rare in the general population with a frequency below the threshold expected for the associated phenotype(s). This variant has been observed in one or more individuals affected with the associated recessive disease, as either homozygous or compound heterozygous with a second variant (PMID: 15824356, 27362913, 17074608, 33977025). Functional studies show that this variant may disrupt protein function (PMID: 15824356). Computational prediction algorithms indicate this variant is likely to affect gene or protein function. Given the available evidence, this variant is classified as Likely Pathogenic.

Labcorp Genetics (formerly Invitae), Labcorp
Classification: Pathogenic for Glycine encephalopathy. Last evaluated: 2025-08-30. Review status: criteria provided, single submitter. Criteria: Invitae Variant Classification Sherloc (09022015). Collection method: clinical testing. Allele origin: germline.
Comment: This sequence change replaces arginine, which is basic and polar, with histidine, which is basic and polar, at codon 739 of the GLDC protein (p.Arg739His). This variant is present in population databases (rs121964980, gnomAD 0.007%). This missense change has been observed in individual(s) with GLDC-related conditions (PMID: 15824356, 16450403, 17074608; internal data). ClinVar contains an entry for this variant (Variation ID: 11990). Invitae Evidence Modeling of protein sequence and biophysical properties (such as structural, functional, and spatial information, amino acid conservation, physicochemical variation, residue mobility, and thermodynamic stability) indicates that this missense variant is expected to disrupt GLDC protein function with a positive predictive value of 95%. Experimental studies have shown that this missense change affects GLDC function (PMID: 15824356). For these reasons, this variant has been classified as Pathogenic.

CeGaT Center for Human Genetics Tuebingen
Classification: Likely pathogenic. Last evaluated: 2024-04-01. Review status: criteria provided, single submitter. Criteria: CeGaT Center For Human Genetics Tuebingen Variant Classification Criteria Version 2. Collection method: clinical testing. Allele origin: germline. Affected: yes. Observed: 1 variant allele.
Comment: GLDC: PM1, PM2, PM3, PP3, PS3:Supporting

Fulgent Genetics
Classification: Likely pathogenic for Glycine encephalopathy 1. Last evaluated: 2024-02-08. Review status: criteria provided, single submitter. Criteria: ACMG Guidelines, 2015. Collection method: clinical testing. Allele origin: germline.

GeneDx
Classification: Pathogenic. Last evaluated: 2024-01-26. Review status: criteria provided, single submitter. Criteria: GeneDx Variant Classification Process June 2021. Collection method: clinical testing. Allele origin: germline. Affected: yes.
Comment: Published functional studies demonstrate that the R739H variant had decreased enzymatic activity (PMID: 15824356); In silico analysis supports that this missense variant has a deleterious effect on protein structure/function; Not observed at significant frequency in large population cohorts (gnomAD); This variant is associated with the following publications: (PMID: 15824356, 16450403, 31589614, 30833958, Roa2023[Abstract], 33977025, 17074608)

Blueprint Genetics
Classification: Likely pathogenic for GLDC-related disorders. Last evaluated: 2023-02-16. Review status: criteria provided, single submitter. Criteria: ACMG Guidelines, 2015. Collection method: clinical testing. Allele origin: germline. Affected: yes. Observed: 5 variant alleles.

Myriad Genetics, Inc.
Classification: Likely pathogenic for Glycine encephalopathy 1. Last evaluated: 2021-11-11. Review status: criteria provided, single submitter. Criteria: Myriad Women's Health Autosomal Recessive and X-Linked Classification Criteria (2021). Collection method: clinical testing. Allele origin: unknown.
Comment: NM_000170.2(GLDC):c.2216G>A(R739H) is a missense variant classified as likely pathogenic in the context of glycine encephalopathy, GLDC-related. Please note that R739H may be associated with an attenuated form of glycine encephalopathy, GLDC-related. R739H has been observed in cases with relevant disease (PMID: 15824356, 16450403, 17074608, 27362913, 33977025, SSIEM_2005_(no PMID; abstract)). Functional assessments of this variant are available in the literature (PMID: 15824356). R739H has been observed in population frequency databases (gnomAD: NFE 0.01%). In summary, NM_000170.2(GLDC):c.2216G>A(R739H) is a missense variant that has functional support for pathogenicity and has been observed more frequently in cases with the relevant disease than in healthy populations. Please note: this variant was assessed in the context of healthy population screening.

Women's Health and Genetics/Laboratory Corporation of America, LabCorp
Classification: Pathogenic for Non-ketotic hyperglycinemia. Last evaluated: 2020-07-03. Review status: criteria provided, single submitter. Criteria: LabCorp Variant Classification Summary - May 2015. Collection method: clinical testing. Allele origin: germline.
Comment: Variant summary: GLDC c.2216G>A (p.Arg739His) results in a non-conservative amino acid change in the encoded protein sequence. Five of five in-silico tools predict a damaging effect of the variant on protein function. The variant allele was found at a frequency of 3.6e-05 in 247686 control chromosomes. c.2216G>A has been reported in the literature in individuals affected with Glycine Encephalopathy (Non-Ketotic Hyperglycinemia) (example, Dinopoulos_2005, Kure_2006, unpublished source from bioRxiv_2019). These data indicate that the variant is likely to be associated with disease. At least one publication reports experimental evidence evaluating an impact on protein function (Dinopoulos_2005). The most pronounced variant effect results in <10% of normal GLDC enzyme activity. One clinical diagnostic laboratory has submitted clinical-significance assessments for this variant to ClinVar after 2014 without evidence for independent evaluation and classified the variant as likely pathogenic. Based on the evidence outlined above, the variant was classified as pathogenic.

Baylor Genetics
Classification: Likely pathogenic for Glycine encephalopathy 1. Review status: criteria provided, single submitter. Criteria: ACMG Guidelines, 2015. Collection method: clinical testing. Allele origin: germline.

Juno Genomics, Hangzhou Juno Genomics, Inc
Classification: Pathogenic for Glycine encephalopathy 1. Review status: criteria provided, single submitter. Criteria: ACMG Guidelines, 2015. Collection method: clinical testing. Allele origin: germline.
Comment: Absent from controls (or at extremely low frequency if recessive) in Genome Aggregation Database.;Multiple lines of computational evidence support a deleterious effect on the gene or gene product.;For recessive disorders, detected in trans with a pathogenic variant.;Patient's phenotype or family history is highly specific for a disease with a single genetic etiology.

OMIM
Classification: Pathogenic for GLYCINE ENCEPHALOPATHY 1. Last evaluated: 2005-04-12. Review status: no assertion criteria provided. Collection method: literature only. Allele origin: germline. Not counted in ClinVar's aggregate classification.

Literature cited by the submitters: PubMed 15824356 (cited by 5 submitters); PubMed 27362913 (cited by Natera, Inc. and Myriad Genetics, Inc.); PubMed 17074608 (cited by 3 submitters); PubMed 33977025 (cited by Natera, Inc. and Myriad Genetics, Inc.); PubMed 16450403 (cited by 3 submitters).